The following is an entry in ClinVar:

NM_001080495.3(TNRC18):c.6291G>T (p.Val2097=)

Gene: TNRC18 (trinucleotide repeat containing 18; minus strand). Cytogenetic location: 7p22.1.
Variant type: single nucleotide variant.
Coding change: c.6291G>T on transcript NM_001080495.3 (MANE Select); coding-DNA position 6291, G replaced by T.
Protein change: p.Val2097=; no amino-acid change (valine 2097 retained).
Molecular consequence: synonymous variant.
Genome position (GRCh38, 1-based): chr7:5,325,105, C>A on the plus strand (G>T on the coding strand, the complement: TNRC18 is on the minus strand). VCF-style: chr7-5325105-C-A. GRCh37 (hg19) VCF-style: chr7-5364736-C-A.
Identifiers: ClinVar variation 4085100 (VCV004085100.8).
Genomic context (GRCh38, chr7:5,325,105, plus strand): 5'-GAGCATGGCTGAGCCCCCCACAGCCCCCAACCAGGGCACGGTGAGCCTCACCTCCTTCTT[C>A]ACCTCCTTCCCTTTGGCCTTGGCTTTGCTCCTTTTGGCAGCGGTCAGGGAGCTGGCGTGA-3'
Protein context (NP_001073964.2, residues 2087-2107): RSKAKAKGKE[Val2097=]KKENRGKGGA

ClinVar aggregate classification (germline): Likely benign (1 of 4 stars; one submission).

Submission:

CeGaT Center for Human Genetics Tuebingen
Classification: Likely benign. Last evaluated: 2025-06-01. Review status: criteria provided, single submitter. Criteria: CeGaT Center For Human Genetics Tuebingen Variant Classification Criteria Version 2. Collection method: clinical testing. Allele origin: germline. Affected: yes. Observed: 1 variant allele.
Comment: TNRC18: PM2:Supporting, BP4, BP7